The following is an entry in ClinVar:

ClinVar aggregate classification (germline): Likely pathogenic (1 of 4 stars; one submission).

Conditions:
Neuronal ceroid lipofuscinosis. Also called: Neuronal Ceroid Lipofuscinoses. Identifiers: Orphanet 216, Orphanet 79263, MedGen C0027877, MONDO:0016295. Disease mechanism: loss of function.

Submission:

Women's Health and Genetics/Laboratory Corporation of America, LabCorp
Classification: Likely pathogenic for Neuronal ceroid lipofuscinosis. Last evaluated: 2022-10-28. Review status: criteria provided, single submitter. Criteria: LabCorp Variant Classification Summary - May 2015. Collection method: clinical testing. Allele origin: germline.
Comment: Variant summary: CTSF c.167_186del20 (p.Ala56GlyfsX51) results in a premature termination codon, predicted to cause a truncation of the encoded protein or absence of the protein due to nonsense mediated decay, which are commonly known mechanisms for disease. Truncations downstream of this position have been classified as pathogenic in ClinVar. The variant was absent in 7958 control chromosomes (gnomAD). To our knowledge, no occurrence of c.167_186del20 in individuals affected with Neuronal Ceroid-Lipofuscinosis (Batten Disease) and no experimental evidence demonstrating its impact on protein function have been reported. No clinical diagnostic laboratories have submitted clinical-significance assessments for this variant to ClinVar after 2014. Based on the evidence outlined above, the variant was classified as likely pathogenic.

NM_003793.4(CTSF):c.167_186del (p.Ala56fs)

Gene: CTSF (cathepsin F; minus strand). Cytogenetic location: 11q13.2.
Variant type: Deletion.
Coding change: c.167_186del on transcript NM_003793.4 (MANE Select); coding-DNA positions 167 to 186, 20 bases deleted (CGGGGACGCGGGCCGTGCTG).
Protein change: p.Ala56fs; shifts the reading frame from alanine 56.
Molecular consequence: frameshift variant.
Genome position (GRCh38, 1-based): chr11:66,568,301-66,568,320, CAGCACGGCCCGCGTCCCCG deleted on the plus strand (CGGGGACGCGGGCCGTGCTG on the coding strand, the reverse complement: CTSF is on the minus strand); deleting any 20 consecutive bases within chr11:66,568,301-66,568,324 gives the same sequence; the c. name uses the placement nearest the transcript's 3' end. VCF-style (leftmost placement, unchanged base first): chr11-66568300-CCAGCACGGCCCGCGTCCCCG-C. GRCh37 (hg19) VCF-style: chr11-66335771-CCAGCACGGCCCGCGTCCCCG-C.
Other names: short protein forms A56fs.
Identifiers: ClinVar variation 1723409 (VCV001723409.1), dbSNP rs1336749001, ClinGen allele CA600232818.